The following is an entry in ClinVar:

NM_020884.7(MYH7B):c.4501G>A (p.Ala1501Thr)

Gene: MYH7B (myosin heavy chain 7B; plus strand). Cytogenetic location: 20q11.22.
Variant type: single nucleotide variant.
Coding change: c.4501G>A on transcript NM_020884.7 (MANE Select); coding-DNA position 4501, G replaced by A.
Protein change: p.Ala1501Thr; replaces alanine 1501 with threonine.
Molecular consequence: missense variant.
Genome position (GRCh38, 1-based): chr20:34,999,366, G>A. VCF-style: chr20-34999366-G-A. GRCh37 (hg19) VCF-style: chr20-33587169-G-A.
Other names: short protein forms A1501T.
Identifiers: ClinVar variation 3708971 (VCV003708971.2).

ClinVar aggregate classification (germline): Uncertain significance (1 of 4 stars; one submission).

gnomAD v4.1: 97 of 1,538,270 alleles (0.0063%); highest among the groups gnomAD compares: East Asian, 0.19%; no homozygotes.

Submission:

Labcorp Genetics (formerly Invitae), Labcorp
Classification: Uncertain significance. Last evaluated: 2024-04-16. Review status: criteria provided, single submitter. Criteria: Invitae Variant Classification Sherloc (09022015). Collection method: clinical testing. Allele origin: germline.
Comment: This sequence change replaces alanine, which is neutral and non-polar, with threonine, which is neutral and polar, at codon 1543 of the MYH7B protein (p.Ala1543Thr). This variant is present in population databases (rs530047217, gnomAD 0.1%), and has an allele count higher than expected for a pathogenic variant. This missense change has been observed in individual(s) with hypertrophic cardiomyopathy (PMID: 32207065). Advanced modeling of protein sequence and biophysical properties (such as structural, functional, and spatial information, amino acid conservation, physicochemical variation, residue mobility, and thermodynamic stability) performed at Invitae indicates that this missense variant is not expected to disrupt MYH7B protein function with a negative predictive value of 80%. In summary, the available evidence is currently insufficient to determine the role of this variant in disease. Therefore, it has been classified as a Variant of Uncertain Significance.

Literature cited by the submitters: PubMed 32207065.